The following is an entry in ClinVar:

ClinVar aggregate classification (germline): Uncertain significance (1 of 4 stars; one submission).

Conditions:
Arrhythmogenic right ventricular dysplasia 10. Also called: Arrhythmogenic Right Ventricular Dysplasia/Cardiomyopathy10; ARRHYTHMOGENIC RIGHT VENTRICULAR DYSPLASIA, FAMILIAL, 10; Arrhythmogenic right ventricular dysplasia/cardiomyopathy, type 10. Identifiers: MedGen C1857777, MONDO:0012434, OMIM 610193.

Submission:

Labcorp Genetics (formerly Invitae), Labcorp
Classification: Uncertain significance for Arrhythmogenic right ventricular dysplasia 10. Last evaluated: 2022-07-22. Review status: criteria provided, single submitter. Criteria: Invitae Variant Classification Sherloc (09022015). Collection method: clinical testing. Allele origin: germline.
Comment: In summary, the available evidence is currently insufficient to determine the role of this variant in disease. Therefore, it has been classified as a Variant of Uncertain Significance. Algorithms developed to predict the effect of missense changes on protein structure and function are either unavailable or do not agree on the potential impact of this missense change (SIFT: "Deleterious"; PolyPhen-2: "Benign"; Align-GVGD: "Class C0"). This variant has not been reported in the literature in individuals affected with DSG2-related conditions. This variant is not present in population databases (gnomAD no frequency). This sequence change replaces alanine, which is neutral and non-polar, with threonine, which is neutral and polar, at codon 616 of the DSG2 protein (p.Ala616Thr).

NM_001943.5(DSG2):c.1846G>A (p.Ala616Thr)

Gene: DSG2 (desmoglein 2; plus strand). Cytogenetic location: 18q12.1.
Variant type: single nucleotide variant.
Coding change: c.1846G>A on transcript NM_001943.5 (MANE Select); coding-DNA position 1846, G replaced by A.
Protein change: p.Ala616Thr; replaces alanine 616 with threonine.
Molecular consequence: missense variant.
Genome position (GRCh38, 1-based): chr18:31,538,945, G>A. VCF-style: chr18-31538945-G-A. GRCh37 (hg19) VCF-style: chr18-29118908-G-A.
Other names: short protein forms A616T.
Identifiers: ClinVar variation 1997318 (VCV001997318.4), dbSNP rs2510919051, ClinGen allele CA402138186.